The following is an entry in ClinVar:

ClinVar aggregate classification (germline): Uncertain significance (1 of 4 stars; one submission).

Conditions:
KMT2E-related disorder. Also called: KMT2E-related condition.

Submission:

PreventionGenetics, part of Exact Sciences
Classification: Uncertain significance for KMT2E-related condition. Last evaluated: 2023-02-09. Review status: criteria provided, single submitter. Criteria: ACMG Guidelines, 2015. Collection method: clinical testing. Allele origin: germline.
Comment: The KMT2E c.3938G>A variant is predicted to result in the amino acid substitution p.Gly1313Asp. To our knowledge, this variant has not been reported in the literature or in a large population database, indicating this variant is rare. At this time, the clinical significance of this variant is uncertain due to the absence of conclusive functional and genetic evidence.

NM_182931.3(KMT2E):c.3938G>A (p.Gly1313Asp)

Gene: KMT2E (lysine methyltransferase 2E (inactive); plus strand). Cytogenetic location: 7q22.3.
Variant type: single nucleotide variant.
Coding change: c.3938G>A on transcript NM_182931.3 (MANE Select); coding-DNA position 3938, G replaced by A.
Protein change: p.Gly1313Asp; replaces glycine 1313 with aspartic acid.
Molecular consequence: missense variant. On other transcripts: intron variant (1).
Genome position (GRCh38, 1-based): chr7:105,110,570, G>A. VCF-style: chr7-105110570-G-A. GRCh37 (hg19) VCF-style: chr7-104751017-G-A.
Other names: c.3938G>A, p.Gly1313Asp (NM_018682.4); c.3845-201G>A (NM_001410908.1); short protein forms G1313D.
Identifiers: ClinVar variation 2630394 (VCV002630394.1), dbSNP rs2536518699, ClinGen allele CA368790989.
Genomic context (GRCh38, chr7:105,110,570, plus strand): 5'-GTCATGTTCAGTCTTCACCTTCATCTCATTCAAATCACATACCCCAGTTGCAAGCTAAGG[G>A]CCCAGTCCCTTCTTTCAGTGAACTTATGGAAGGTCAGTAAGCAGATGACCGATAATGTTA-3'
Protein context (NP_891847.1, residues 1303-1323): SNHIPQLQAK[Gly1313Asp]PVPSFSELME